The following is an entry in ClinVar:

NM_001963.6(EGF):c.1780A>C (p.Lys594Gln)

Gene: EGF (epidermal growth factor; plus strand). Cytogenetic location: 4q25.
Variant type: single nucleotide variant.
Coding change: c.1780A>C on transcript NM_001963.6 (MANE Select); coding-DNA position 1780, A replaced by C.
Protein change: p.Lys594Gln; replaces lysine 594 with glutamine.
Molecular consequence: missense variant.
Genome position (GRCh38, 1-based): chr4:109,974,758, A>C. VCF-style: chr4-109974758-A-C. GRCh37 (hg19) VCF-style: chr4-110895914-A-C.
Other names: c.1780A>C, p.Lys594Gln (NM_001178130.3); c.1654A>C, p.Lys552Gln (NM_001178131.3, NM_001357021.2); short protein forms K594Q, K552Q.
Identifiers: ClinVar variation 4701240 (VCV004701240.1).
Genomic context (GRCh38, chr4:109,974,758, plus strand): 5'-TTTAGGAAATCTCTGATTGGAAGGAGTGATTTAAATGGGAAACGTTCCAAAATAATCACT[A>C]AGGAGAACATCTCTCAACCACGAGGAATTGCTGTTCATCCAATGGCCAAGTAGGTATTTG-3'
Protein context (NP_001954.2, residues 584-604): LNGKRSKIIT[Lys594Gln]ENISQPRGIA

ClinVar aggregate classification (germline): Uncertain significance (1 of 4 stars; one submission).

gnomAD v4.1: 11 of 1,613,578 alleles (0.00068%); highest among the groups gnomAD compares: African/African-American, 0.0013%; no homozygotes.

Submission:

Labcorp Genetics (formerly Invitae), Labcorp
Classification: Uncertain significance. Last evaluated: 2025-06-24. Review status: criteria provided, single submitter. Criteria: Invitae Variant Classification Sherloc (09022015). Collection method: clinical testing. Allele origin: germline.
Comment: This sequence change replaces lysine, which is basic and polar, with glutamine, which is neutral and polar, at codon 594 of the EGF protein (p.Lys594Gln). This variant is not present in population databases (gnomAD no frequency). This variant has not been reported in the literature in individuals affected with EGF-related conditions. An algorithm developed to predict the effect of missense changes on protein structure and function outputs the following: PolyPhen-2: "Benign". The glutamine amino acid residue is found in multiple mammalian species, which suggests that this missense change does not adversely affect protein function. In summary, the available evidence is currently insufficient to determine the role of this variant in disease. Therefore, it has been classified as a Variant of Uncertain Significance.